The following is an entry in ClinVar:

ClinVar aggregate classification (germline): Uncertain significance (1 of 4 stars; one submission).

Conditions:
Combined oxidative phosphorylation defect type 17. Also called: Combined oxidative phosphorylation deficiency 17. Identifiers: Orphanet 369913, MedGen C3809526, MONDO:0014190, OMIM 615440.

Allele frequency attached by ClinVar (database versions not stated): TOPMed below 0.00001.

Submission:

Labcorp Genetics (formerly Invitae), Labcorp
Classification: Uncertain significance for Combined oxidative phosphorylation defect type 17. Last evaluated: 2022-07-20. Review status: criteria provided, single submitter. Criteria: Invitae Variant Classification Sherloc (09022015). Collection method: clinical testing. Allele origin: germline.
Comment: In summary, the available evidence is currently insufficient to determine the role of this variant in disease. Therefore, it has been classified as a Variant of Uncertain Significance. Experimental studies have shown that this missense change affects ELAC2 function (PMID: 31045291). Algorithms developed to predict the effect of missense changes on protein structure and function are either unavailable or do not agree on the potential impact of this missense change (SIFT: "Deleterious"; PolyPhen-2: "Probably Damaging"; Align-GVGD: "Class C0"). This missense change has been observed in individual(s) with clinical features of autosomal recessive ELAC2-related conditions (PMID: 31045291). This variant is not present in population databases (gnomAD no frequency). This sequence change replaces arginine, which is basic and polar, with tryptophan, which is neutral and slightly polar, at codon 68 of the ELAC2 protein (p.Arg68Trp).

Literature cited by the submitters: PubMed 31045291.

NM_018127.7(ELAC2):c.202C>T (p.Arg68Trp)

Gene: ELAC2 (elaC ribonuclease Z 2; minus strand). Cytogenetic location: 17p12.
Variant type: single nucleotide variant.
Coding change: c.202C>T on transcript NM_018127.7 (MANE Select); coding-DNA position 202, C replaced by T.
Protein change: p.Arg68Trp; replaces arginine 68 with tryptophan.
Molecular consequence: missense variant.
Genome position (GRCh38, 1-based): chr17:13,017,746, G>A on the plus strand (C>T on the coding strand, the complement: ELAC2 is on the minus strand). VCF-style: chr17-13017746-G-A. GRCh37 (hg19) VCF-style: chr17-12921063-G-A.
Other names: c.202C>T, p.Arg68Trp (NM_001165962.2, NM_173717.2); short protein forms R68W.
Identifiers: ClinVar variation 2419112 (VCV002419112.6), dbSNP rs2041829560, ClinGen allele CA398218966.